The following is an entry in ClinVar:

ClinVar aggregate classification (germline): Uncertain significance. Review status: criteria provided, multiple submitters, no conflicts (2 of 4 stars). 2 submissions from 2 submitters: Uncertain significance (2). Last evaluated 2024-06-28.

Conditions:
Disseminated atypical mycobacterial infection. Identifiers: MedGen C0694566.
IFNGR1-related disorder. Also called: IFNGR1-related condition.

Allele frequency attached by ClinVar (database versions not stated): gnomAD exomes below 0.00001; gnomAD 0.00001; TOPMed 0.00001.
gnomAD v4.1: 4 of 1,613,166 alleles (0.00025%); highest among the groups gnomAD compares: Non-Finnish European, 0.00034%; no homozygotes.

Submissions (2):

Labcorp Genetics (formerly Invitae), Labcorp
Classification: Uncertain significance for Disseminated atypical mycobacterial infection. Last evaluated: 2024-06-28. Review status: criteria provided, single submitter. Criteria: Invitae Variant Classification Sherloc (09022015). Collection method: clinical testing. Allele origin: germline.
Comment: This sequence change replaces valine, which is neutral and non-polar, with phenylalanine, which is neutral and non-polar, at codon 226 of the IFNGR1 protein (p.Val226Phe). This variant is not present in population databases (gnomAD no frequency). This variant has not been reported in the literature in individuals affected with IFNGR1-related conditions. ClinVar contains an entry for this variant (Variation ID: 2629425). Advanced modeling of protein sequence and biophysical properties (such as structural, functional, and spatial information, amino acid conservation, physicochemical variation, residue mobility, and thermodynamic stability) performed at Invitae indicates that this missense variant is not expected to disrupt IFNGR1 protein function with a negative predictive value of 80%. In summary, the available evidence is currently insufficient to determine the role of this variant in disease. Therefore, it has been classified as a Variant of Uncertain Significance.

PreventionGenetics, part of Exact Sciences
Classification: Uncertain significance for IFNGR1-related condition. Last evaluated: 2023-07-04. Review status: criteria provided, single submitter. Criteria: ACMG Guidelines, 2015. Collection method: clinical testing. Allele origin: germline.
Comment: The IFNGR1 c.676G>T variant is predicted to result in the amino acid substitution p.Val226Phe. To our knowledge, this variant has not been reported in the literature or in a large population database, indicating this variant is rare. At this time, the clinical significance of this variant is uncertain due to the absence of conclusive functional and genetic evidence.

NM_000416.3(IFNGR1):c.676G>T (p.Val226Phe)

Gene: IFNGR1 (interferon gamma receptor 1; minus strand). Cytogenetic location: 6q23.3.
Variant type: single nucleotide variant.
Coding change: c.676G>T on transcript NM_000416.3 (MANE Select); coding-DNA position 676, G replaced by T.
Protein change: p.Val226Phe; replaces valine 226 with phenylalanine.
Molecular consequence: missense variant.
Genome position (GRCh38, 1-based): chr6:137,203,556, C>A on the plus strand (G>T on the coding strand, the complement: IFNGR1 is on the minus strand). VCF-style: chr6-137203556-C-A. GRCh37 (hg19) VCF-style: chr6-137524693-C-A.
Other names: c.646G>T, p.Val216Phe (NM_001363526.1); c.553G>T, p.Val185Phe (NM_001363527.1); short protein forms V185F, V216F, V226F.
Identifiers: ClinVar variation 2629425 (VCV002629425.3), dbSNP rs1029475116, ClinGen allele CA148228939.
Genomic context (GRCh38, chr6:137,203,556, plus strand): 5'-TACCTTTTATACTGCTATTGAAAATGGTAATACAAACTTCTTTTGACTTTTCAGTTGTAA[C>A]ACCCCACACATGTAAGACTCCTTCTGCTGAAACACAGTACTGAGAATTCAGTGAGGATAC-3'
Protein context (NP_000407.1, residues 216-236): SAEGVLHVWG[Val226Phe]TTEKSKEVCI